The following is an entry in ClinVar:

NM_144672.4(OTOA):c.1688+1G>T

Gene: OTOA (otoancorin). Cytogenetic location: 16p12.2.
Variant type: single nucleotide variant.
Coding change: c.1688+1G>T on transcript NM_144672.4 (MANE Select); the canonical splice donor site of the intron after coding-DNA position 1688, G replaced by T.
Molecular consequence: splice donor variant.
Genome position (GRCh38, 1-based): chr16:21,719,192, G>T. VCF-style: chr16-21719192-G-T. GRCh37 (hg19) VCF-style: chr16-21730513-G-T.
Other names: c.1451+1G>T (NM_001161683.2); c.716+1G>T (NM_170664.3).
Identifiers: ClinVar variation 164824 (VCV000164824.5), dbSNP rs727503350, ClinGen allele CA273209.
Genomic context (GRCh38, chr16:21,719,192, plus strand): 5'-GGCTCTGTTCCTGTATGAGCTTCTGTTAAAGACCACCAGAAGGCCTGAGGAGCTTTTGAG[G>T]TAGGAAAATGTAACTCGGCCTGGGTGCTGAACAGGCCTTTCAGAGCCTTCTGCCAGAGCA-3'

ClinVar aggregate classification (germline): Pathogenic (1 of 4 stars; one submission).

Conditions:
Rare genetic deafness. Identifiers: Orphanet 96210, MedGen C5680250.

Allele frequency attached by ClinVar (database versions not stated): gnomAD exomes below 0.00001 and 0.00001; ExAC 0.00001.
gnomAD v4.1: 3 of 1,614,108 alleles (0.00019%); highest among the groups gnomAD compares: South Asian, 0.0033%; no homozygotes.

Submission:

Laboratory for Molecular Medicine, Mass General Brigham Personalized Medicine
Classification: Pathogenic for Rare genetic deafness. Last evaluated: 2014-09-09. Review status: criteria provided, single submitter. Criteria: LMM Criteria. Collection method: clinical testing. Allele origin: germline. Inheritance: Autosomal recessive inheritance. Observed: 3 variant alleles.
Comment: The c.1688+1G>T variant in OTOA has not been previously reported in individuals with hearing loss or in large population studies. This variant occurs in the inv ariant region (+ 1/2) of the 5' splice consensus sequence and is predicted to ca use altered splicing leading to an abnormal or absent protein. In summary, this variant meets our criteria to be classified as pathogenic for hearing loss in an autosomal recessive manner.